The following is an entry in ClinVar:

NM_001378183.1(PIEZO2):c.3339C>G (p.Ala1113=)

Gene: PIEZO2 (piezo type mechanosensitive ion channel component 2; minus strand). Cytogenetic location: 18p11.22.
Variant type: single nucleotide variant.
Coding change: c.3339C>G on transcript NM_001378183.1 (MANE Select); coding-DNA position 3339, C replaced by G.
Protein change: p.Ala1113=; no amino-acid change (alanine 1113 retained).
Molecular consequence: synonymous variant.
Genome position (GRCh38, 1-based): chr18:10,761,022, G>C on the plus strand (C>G on the coding strand, the complement: PIEZO2 is on the minus strand). VCF-style: chr18-10761022-G-C. GRCh37 (hg19) VCF-style: chr18-10761020-G-C.
Other names: c.3264C>G, p.Ala1088= (NM_022068.4).
Identifiers: ClinVar variation 391504 (VCV000391504.1), dbSNP rs1012685837, ClinGen allele CA16607942.
Genomic context (GRCh38, chr18:10,761,022, plus strand): 5'-AATAAGTCCATCATCTAGATGTAGTCTTGTAATGTCATGAAAGATAGTTCTAGACACAGG[G>C]GCCGTCAGGTTATTTCGACCTCGATAGTATTCCTGATGGCGGTAAATGGTGACTTCAAAG-3'
Protein context (NP_001365112.1, residues 1103-1123): EYYRGRNNLT[Ala1113=]PVSRTIFHDI

ClinVar aggregate classification (germline): Likely benign (1 of 4 stars; one submission).

Submission:

GeneDx
Classification: Likely benign. Last evaluated: 2016-12-22. Review status: criteria provided, single submitter. Criteria: GeneDx Variant Classification (06012015). Collection method: clinical testing. Allele origin: germline. Affected: yes.
Comment: This variant is considered likely benign or benign based on one or more of the following criteria: it is a conservative change, it occurs at a poorly conserved position in the protein, it is predicted to be benign by multiple in silico algorithms, and/or has population frequency not consistent with disease.